The following is an entry in ClinVar:

NM_052844.4(DYNC2I2):c.981+1G>A

Genes: DYNC2I2 (dynein 2 intermediate chain 2; minus strand), LOC126860772 (CDK7 strongly-dependent group 2 enhancer GRCh37_chr9:131396972-131398171; plus strand). Cytogenetic location: 9q34.11.
Variant type: single nucleotide variant.
Coding change: c.981+1G>A on transcript NM_052844.4 (MANE Select); the canonical splice donor site of the intron after coding-DNA position 981, G replaced by A.
Molecular consequence: splice donor variant.
Genome position (GRCh38, 1-based): chr9:128,635,091, C>T on the plus strand (G>A on the coding strand, the complement: DYNC2I2 is on the minus strand). VCF-style: chr9-128635091-C-T. GRCh37 (hg19) VCF-style: chr9-131397370-C-T.
Identifiers: ClinVar variation 3774483 (VCV003774483.2).
Genomic context (GRCh38, chr9:128,635,091, plus strand): 5'-CACCTTCCCACCCCCAAGGCTCACCGGCGCAGGCCAGGGCAGTTTCCGGGTGCCCACGTA[C>T]CTTCTTGAGCTTGGTGCTCCGTGGCAGCTGCTGCATGACCAGGGCGAAGCCCTCTGTGAG-3'

ClinVar aggregate classification (germline): Likely pathogenic (1 of 4 stars; one submission).

Conditions:
Short-rib thoracic dysplasia 11 with or without polydactyly (SRTD11). Also called: SHORT-RIB THORACIC DYSPLASIA 11 WITHOUT POLYDACTYLY. Identifiers: Orphanet 474, Orphanet 93271, MedGen C3810200, MONDO:0014287, OMIM 615633.

Submission:

Wenzhou Central Hospital
Classification: Likely pathogenic for Short-rib thoracic dysplasia 11 with or without polydactyly. Last evaluated: 2025-02-28. Review status: criteria provided, single submitter. Criteria: ACMG Guidelines, 2015. Collection method: clinical testing. Allele origin: germline. Inheritance: Autosomal recessive inheritance. Affected: yes. Observed: 1 compound heterozygote.
Comment: The ultrasound findings indicate significant skeletal anomalies, with femur, tibia, fibula, humerus, ulna, and radius lengths all exhibiting reductions of 2 to 4 standard deviations (SD) from the norm. Additional findings demonstrate polydactyly (six toes on both feet and six fingers on the left hand). Preliminary diagnosis of short-rib thoracic dysplasia with or without polydactyly. CNVseq analysis revealed no copy number variations (CNVs) larger than 100 kb. According to ACMG guidelines, both variants are classified as likely pathogenic.